The following is an entry in ClinVar:

ClinVar aggregate classification (germline): Pathogenic/Likely pathogenic. Review status: criteria provided, multiple submitters, no conflicts (2 of 4 stars). 3 submissions from 3 submitters: Pathogenic (2); Likely pathogenic (1). Last evaluated 2025-05-11.

Conditions:
Nemaline myopathy. Also called: Myopathies, Nemaline. Identifiers: Orphanet 607, MedGen C0206157, MONDO:0018958.
Nemaline myopathy 2 (NEM2). Also called: Nemaline myopathy 2, autosomal recessive. Identifiers: MedGen C1850569, MONDO:0009725, OMIM 256030.

Submissions (3):

Myriad Genetics, Inc.
Classification: Pathogenic for Nemaline myopathy 2. Last evaluated: 2025-05-11. Review status: criteria provided, single submitter. Criteria: Myriad Autosomal Dominant, Autosomal Recessive and X-Linked Classification Criteria (2023). Collection method: clinical testing. Allele origin: unknown.
Comment: NM_001271208.1(NEB):c.21124_21128del5(T7042Afs*2) is expected to be pathogenic in the context of NEB-related nemaline myopathy. This variant is predicted to lead to an abnormal or absent protein product due to the creation of a premature termination codon in NEB, a gene where loss-of-function variants are known to be pathogenic. Please note: this variant was assessed in the context of healthy population screening.

Broad Center for Mendelian Genomics, Broad Institute of MIT and Harvard
Classification: Likely pathogenic for Nemaline myopathy. Last evaluated: 2025-03-04. Review status: criteria provided, single submitter. Criteria: ACMG Guidelines, 2015. Collection method: curation. Allele origin: germline. Inheritance: Autosomal recessive inheritance.
Comment: The p.Thr7042fs variant in NEB has not been previously reported in the literature in individuals with nemaline myopathy, but has been identified in 0.00009% (1/1178862) of European (non-Finnish) chromosomes by the Genome Aggregation Database (gnomAD; dbSNP ID: rs372653139). Although this variant has been seen in the general population in a heterozygous state, its frequency is low enough to be consistent with a recessive carrier frequency. This variant has also been reported in ClinVar (Variation ID: 2180754) and has been interpreted as pathogenic by Invitae. This variant is predicted to cause a frameshift, which alters the protein‚Äôs amino acid sequence beginning at position 7042 and leads to a premature termination codon two amino acids downstream. This alteration is then predicted to lead to a truncated or absent protein. Loss of function of the NEB gene is an established disease mechanism in autosomal recessive nemaline myopathy. In summary, although additional studies are required to fully establish its clinical significance, this variant is likely pathogenic for autosomal recessive nemaline myopathy. ACMG/AMP Criteria applied: PVS1, PM2_supporting (Richards 2015).

Labcorp Genetics (formerly Invitae), Labcorp
Classification: Pathogenic for Nemaline myopathy 2. Last evaluated: 2023-03-03. Review status: criteria provided, single submitter. Criteria: Invitae Variant Classification Sherloc (09022015). Collection method: clinical testing. Allele origin: germline.
Comment: This variant has not been reported in the literature in individuals affected with NEB-related conditions. This sequence change creates a premature translational stop signal (p.Thr7042Alafs*2) in the NEB gene. It is expected to result in an absent or disrupted protein product. Loss-of-function variants in NEB are known to be pathogenic (PMID: 25205138). This variant is present in population databases (no rsID available, gnomAD 0.0009%). For these reasons, this variant has been classified as Pathogenic.

Literature cited by the submitters: PubMed 25205138 (cited by Labcorp Genetics (formerly Invitae), Labcorp).

NM_001164508.2(NEB):c.21124_21128del (p.Thr7042fs)

Gene: NEB (nebulin; minus strand). Cytogenetic location: 2q23.3.
Variant type: Microsatellite.
Coding change: c.21124_21128del on transcript NM_001164508.2 (MANE Select); coding-DNA positions 21124 to 21128, 5 bases deleted (ACTTG; older notation c.21124_21128delACTTG).
Protein change: p.Thr7042fs; shifts the reading frame from threonine 7042.
Molecular consequence: frameshift variant.
Genome position (GRCh38, 1-based): chr2:151,537,211-151,537,215, CAAGT deleted on the plus strand (ACTTG on the coding strand, the reverse complement: NEB is on the minus strand); deleting any 5 consecutive bases within chr2:151,537,211-151,537,221 gives the same sequence; the c. name uses the placement nearest the transcript's 3' end. VCF-style (leftmost placement, unchanged base first): chr2-151537210-CCAAGT-C. GRCh37 (hg19) VCF-style: chr2-152393724-CCAAGT-C.
Other names: NM_001164508.2(NEB):c.21124_21128del; p.Thr7042fs; c.21124_21128del, p.Thr7042fs (NM_001164507.2, NM_001271208.2); c.16021_16025del, p.Thr5341fs (NM_004543.5); short protein forms T5341fs, T7042fs.
Identifiers: ClinVar variation 2180754 (VCV002180754.6), dbSNP rs1441817658, ClinGen allele CA536640054.
Genomic context (GRCh38, chr2:151,537,210, plus strand): 5'-GTTCTTTTCAGCCAGAGTGAAATCAGGGGTATCATAGGCATAGCAACCAATGCCTTTAAG[CCAAGT>C]CAAGTCTTCTTTATATTTTACCTGGGAGAAGAAGAACATCAAAGAGTTCTAAGAAGCCAT-3'